The following is an entry in ClinVar:

ClinVar aggregate classification (germline): Uncertain significance (1 of 4 stars; one submission).

Conditions:
Inborn genetic diseases. Identifiers: MedGen C0950123, MeSH D030342.

Submission:

Ambry Genetics
Classification: Uncertain significance for Inborn genetic diseases. Last evaluated: 2026-06-03. Review status: criteria provided, single submitter. Criteria: Ambry Variant Classification Scheme 2023. Collection method: clinical testing. Allele origin: germline.
Comment: The p.A10G variant (also known as c.29C>G), located in coding exon 1 of the ERCC6L2 gene, results from a C to G substitution at nucleotide position 29. The alanine at codon 10 is replaced by glycine, an amino acid with similar properties. This amino acid position is conserved. In addition, the in silico prediction for this alteration is inconclusive. Based on the available evidence, the clinical significance of this variant remains unclear.

NM_020207.7(ERCC6L2):c.29C>G (p.Ala10Gly)

Gene: ERCC6L2 (ERCC excision repair 6 like 2; plus strand). Cytogenetic location: 9q22.32.
Variant type: single nucleotide variant.
Coding change: c.29C>G on transcript NM_020207.7 (MANE Select); coding-DNA position 29, C replaced by G.
Protein change: p.Ala10Gly; replaces alanine 10 with glycine.
Molecular consequence: missense variant. On other transcripts: non-coding transcript variant (1).
Genome position (GRCh38, 1-based): chr9:95,876,067, C>G. VCF-style: chr9-95876067-C-G. GRCh37 (hg19) VCF-style: chr9-98638349-C-G.
Other names: c.29C>G, p.Ala10Gly (NM_001010895.4, NM_001375291.1, NM_001375292.1 and 2 more transcripts); short protein forms A10G.
Identifiers: ClinVar variation 4870626 (VCV004870626.1).
Genomic context (GRCh38, chr9:95,876,067, plus strand): 5'-TGCAGCCGGGCTCGGCCCCTCCCCCTGGCCGGATGGATCCGTCGGCGCCACAGCCCCGCG[C>G]GGAAACCTCAGGCAAAGGTACCAGCTCCGCGCTCGCCCCTTACGCAGAGGCCTGTGTACT-3'
Protein context (NP_064592.3, residues 1-20): MDPSAPQPR[Ala10Gly]ETSGKDIWHP